The following is an entry in ClinVar:

NM_005529.7(HSPG2):c.9321T>A (p.Ser3107Arg)

Gene: HSPG2 (heparan sulfate proteoglycan 2; minus strand). Cytogenetic location: 1p36.12.
Variant type: single nucleotide variant.
Coding change: c.9321T>A on transcript NM_005529.7 (MANE Select); coding-DNA position 9321, T replaced by A.
Protein change: p.Ser3107Arg; replaces serine 3107 with arginine.
Molecular consequence: missense variant.
Genome position (GRCh38, 1-based): chr1:21,841,546, A>T on the plus strand (T>A on the coding strand, the complement: HSPG2 is on the minus strand). VCF-style: chr1-21841546-A-T. GRCh37 (hg19) VCF-style: chr1-22168039-A-T.
Other names: c.9324T>A, p.Ser3108Arg (NM_001291860.2); short protein forms S3108R, S3107R.
Identifiers: ClinVar variation 1388774 (VCV001388774.8), dbSNP rs2152705519, ClinGen allele CA338914659.
Genomic context (GRCh38, chr1:21,841,546, plus strand): 5'-GAGAATCAGGGCTGGAAACAGGGCAGAGCCCCACAGGGTCAACGTCCCCTCACCGTGCAC[A>T]CTGAGGTTCACCACACTCTGGGCCACACCGTAGGCATTGGAGGCCACGCAGCGGTAGGTA-3'
Protein context (NP_005520.4, residues 3097-3117): YGVAQSVVNL[Ser3107Arg]VHGPPTVSVL

ClinVar aggregate classification (germline): Uncertain significance (1 of 4 stars; one submission).

Submission:

Labcorp Genetics (formerly Invitae), Labcorp
Classification: Uncertain significance. Last evaluated: 2024-02-24. Review status: criteria provided, single submitter. Criteria: Invitae Variant Classification Sherloc (09022015). Collection method: clinical testing. Allele origin: germline.
Comment: This sequence change replaces serine, which is neutral and polar, with arginine, which is basic and polar, at codon 3107 of the HSPG2 protein (p.Ser3107Arg). This variant is not present in population databases (gnomAD no frequency). This variant has not been reported in the literature in individuals affected with HSPG2-related conditions. ClinVar contains an entry for this variant (Variation ID: 1388774). An algorithm developed to predict the effect of missense changes on protein structure and function (PolyPhen-2) suggests that this variant is likely to be disruptive. In summary, the available evidence is currently insufficient to determine the role of this variant in disease. Therefore, it has been classified as a Variant of Uncertain Significance.